The following is an entry in ClinVar:

ClinVar aggregate classification (germline): Uncertain significance (1 of 4 stars; one submission).

Allele frequency attached by ClinVar (database versions not stated): gnomAD 0.00001; TOPMed 0.00001.

Submission:

CeGaT Center for Human Genetics Tuebingen
Classification: Uncertain significance. Last evaluated: 2023-02-01. Review status: criteria provided, single submitter. Criteria: CeGaT Center For Human Genetics Tuebingen Variant Classification Criteria Version 2. Collection method: clinical testing. Allele origin: germline. Affected: yes. Observed: 1 variant allele.
Comment: PRR12: PM2

NM_020719.3(PRR12):c.3937G>A (p.Val1313Met)

Gene: PRR12 (proline rich 12; plus strand). Cytogenetic location: 19q13.33.
Variant type: single nucleotide variant.
Coding change: c.3937G>A on transcript NM_020719.3 (MANE Select); coding-DNA position 3937, G replaced by A.
Protein change: p.Val1313Met; replaces valine 1313 with methionine.
Molecular consequence: missense variant.
Genome position (GRCh38, 1-based): chr19:49,599,530, G>A. VCF-style: chr19-49599530-G-A. GRCh37 (hg19) VCF-style: chr19-50102787-G-A.
Other names: short protein forms V1313M.
Identifiers: ClinVar variation 2650265 (VCV002650265.24), dbSNP rs897983472, ClinGen allele CA309531766.
Genomic context (GRCh38, chr19:49,599,530, plus strand): 5'-AAGCGCCACCCACCACTCTACCAGGCGGGCCTGACGCCTCCGCTCAGCCCTCCCAAGAGT[G>A]TGCCACCCTCTGTGCCAGCCCGAGGCCTGCAGCCCCAGCCCCCTGCCACCCCTGCTGTGC-3'
Protein context (NP_065770.1, residues 1303-1323): LTPPLSPPKS[Val1313Met]PPSVPARGLQ